The following is an entry in ClinVar:

NM_000091.5(COL4A3):c.1364G>A (p.Gly455Asp)

Genes: COL4A3 (collagen type IV alpha 3 chain; plus strand), MFF-DT (MFF divergent transcript; minus strand). Cytogenetic location: 2q36.3.
Variant type: single nucleotide variant.
Coding change: c.1364G>A on transcript NM_000091.5 (MANE Select); coding-DNA position 1364, G replaced by A.
Protein change: p.Gly455Asp; replaces glycine 455 with aspartic acid.
Molecular consequence: missense variant.
Genome position (GRCh38, 1-based): chr2:227,266,465, G>A. VCF-style: chr2-227266465-G-A. GRCh37 (hg19) VCF-style: chr2-228131181-G-A.
Other names: short protein forms G455D.
Identifiers: ClinVar variation 3634127 (VCV003634127.2).

ClinVar aggregate classification (germline): Uncertain significance (1 of 4 stars; one submission).

Submission:

Labcorp Genetics (formerly Invitae), Labcorp
Classification: Uncertain significance. Last evaluated: 2024-08-08. Review status: criteria provided, single submitter. Criteria: Invitae Variant Classification Sherloc (09022015). Collection method: clinical testing. Allele origin: germline.
Comment: This sequence change replaces glycine, which is neutral and non-polar, with aspartic acid, which is acidic and polar, at codon 455 of the COL4A3 protein (p.Gly455Asp). This variant is not present in population databases (gnomAD no frequency). This variant has not been reported in the literature in individuals affected with COL4A3-related conditions. Advanced modeling of protein sequence and biophysical properties (such as structural, functional, and spatial information, amino acid conservation, physicochemical variation, residue mobility, and thermodynamic stability) has been performed at Invitae for this missense variant, however the output from this modeling did not meet the statistical confidence thresholds required to predict the impact of this variant on COL4A3 protein function. In summary, the available evidence is currently insufficient to determine the role of this variant in disease. Therefore, it has been classified as a Variant of Uncertain Significance.